The following is an entry in ClinVar:

NM_021620.4(PRDM13):c.2020C>G (p.Pro674Ala)

Gene: PRDM13 (PR/SET domain 13; plus strand). Cytogenetic location: 6q16.2.
Variant type: single nucleotide variant.
Coding change: c.2020C>G on transcript NM_021620.4 (MANE Select); coding-DNA position 2020, C replaced by G.
Protein change: p.Pro674Ala; replaces proline 674 with alanine.
Molecular consequence: missense variant.
Genome position (GRCh38, 1-based): chr6:99,614,655, C>G. VCF-style: chr6-99614655-C-G. GRCh37 (hg19) VCF-style: chr6-100062531-C-G.
Other names: c.2020C>G (NM_021620.3); short protein forms P674A.
Identifiers: ClinVar variation 1466509 (VCV001466509.13), dbSNP rs771065982, ClinGen allele CA3936490.

ClinVar aggregate classification (germline): Uncertain significance. Review status: criteria provided, multiple submitters, no conflicts (2 of 4 stars). 4 submissions from 4 submitters: Uncertain significance (3). 1 of the submissions does not count toward it. Last evaluated 2026-06-18.

Conditions:
Retinal dystrophy. Also called: Inherited retinal dystrophy. Identifiers: Orphanet 71862, MedGen C0854723, MeSH D058499, MONDO:0019118, HP:0000556.
PRDM13-related disorder. Also called: PRDM13-related condition.
Inborn genetic diseases. Identifiers: MedGen C0950123, MeSH D030342.

Allele frequency attached by ClinVar (database versions not stated): ExAC 0.00002; gnomAD 0.00005; gnomAD exomes 0.00006; TOPMed 0.00007.
gnomAD v4.1: 87 of 1,612,160 alleles (0.0054%); highest among the groups gnomAD compares: Non-Finnish European, 0.0071%; no homozygotes.

Submissions (4):

PreventionGenetics, part of Exact Sciences
Classification: Uncertain significance for PRDM13-related condition. Last evaluated: 2026-06-18. Review status: criteria provided, single submitter. Criteria: ACMG Guidelines, 2015. Collection method: clinical testing. Allele origin: germline.
Comment: The PRDM13 c.2020C>G variant is predicted to result in the amino acid substitution p.Pro674Ala. To our knowledge, this variant has not been reported in the literature. This variant is reported in 0.0016% of alleles in individuals of European (Non-Finnish) descent in gnomAD. At this time, the clinical significance of this variant is uncertain due to the absence of conclusive functional and genetic evidence.

Ambry Genetics
Classification: Uncertain significance for Inborn genetic diseases. Last evaluated: 2025-08-04. Review status: criteria provided, single submitter. Criteria: Ambry Variant Classification Scheme 2023. Collection method: clinical testing. Allele origin: germline.

Labcorp Genetics (formerly Invitae), Labcorp
Classification: Uncertain significance. Last evaluated: 2025-02-10. Review status: criteria provided, single submitter. Criteria: Invitae Variant Classification Sherloc (09022015). Collection method: clinical testing. Allele origin: germline.
Comment: This sequence change replaces proline, which is neutral and non-polar, with alanine, which is neutral and non-polar, at codon 674 of the PRDM13 protein (p.Pro674Ala). This variant is present in population databases (rs771065982, gnomAD 0.002%). This variant has not been reported in the literature in individuals affected with PRDM13-related conditions. ClinVar contains an entry for this variant (Variation ID: 1466509). An algorithm developed to predict the effect of missense changes on protein structure and function (PolyPhen-2) suggests that this variant is likely to be tolerated. In summary, the available evidence is currently insufficient to determine the role of this variant in disease. Therefore, it has been classified as a Variant of Uncertain Significance.

Institute of Human Genetics, Univ. Regensburg, Univ. Regensburg
Classification: Uncertain significance for Retinal dystrophy. Last evaluated: 2022-01-01. Review status: no assertion criteria provided. Criteria: ACMG Guidelines, 2015. Collection method: clinical testing. Allele origin: germline. Affected: yes. Not counted in ClinVar's aggregate classification.